The following is an entry in ClinVar:

ClinVar aggregate classification (germline): Uncertain significance (1 of 4 stars; one submission).

Conditions:
Nemaline myopathy 7 (NEM7). Also called: Nemaline myopathy 7, autosomal recessive. Identifiers: Orphanet 171436, MedGen C1853154, MONDO:0012538, OMIM 610687.

Allele frequency attached by ClinVar (database versions not stated): gnomAD exomes below 0.00001.

Submission:

Labcorp Genetics (formerly Invitae), Labcorp
Classification: Uncertain significance for Nemaline myopathy 7. Last evaluated: 2018-08-23. Review status: criteria provided, single submitter. Criteria: Invitae Variant Classification Sherloc (09022015). Collection method: clinical testing. Allele origin: germline.
Comment: In summary, the available evidence is currently insufficient to determine the role of this variant in disease. Therefore, it has been classified as a Variant of Uncertain Significance. Algorithms developed to predict the effect of missense changes on protein structure and function are either unavailable or do not agree on the potential impact of this missense change (SIFT: "Deleterious"; PolyPhen-2: "Benign"; Align-GVGD: "Class C65"). This sequence change replaces proline with serine at codon 110 of the CFL2 protein (p.Pro110Ser). The proline residue is highly conserved and there is a moderate physicochemical difference between proline and serine. This variant is not present in population databases (ExAC no frequency). This variant has not been reported in the literature in individuals with CFL2-related disease.

NM_138638.5(CFL2):c.328C>T (p.Pro110Ser)

Gene: CFL2 (cofilin 2; minus strand). Cytogenetic location: 14q13.1.
Variant type: single nucleotide variant.
Coding change: c.328C>T on transcript NM_138638.5 (MANE Select); coding-DNA position 328, C replaced by T.
Protein change: p.Pro110Ser; replaces proline 110 with serine.
Molecular consequence: missense variant. On other transcripts: non-coding transcript variant (2).
Genome position (GRCh38, 1-based): chr14:34,713,120, G>A on the plus strand (C>T on the coding strand, the complement: CFL2 is on the minus strand). VCF-style: chr14-34713120-G-A. GRCh37 (hg19) VCF-style: chr14-35182326-G-A.
Other names: c.277C>T, p.Pro93Ser (NM_001243645.2); c.328C>T, p.Pro110Ser (NM_021914.8); short protein forms P93S, P110S.
Identifiers: ClinVar variation 650607 (VCV000650607.8), dbSNP rs1594784547, ClinGen allele CA389421371.